The following is an entry in ClinVar:

ClinVar aggregate classification (germline): Conflicting classifications of pathogenicity. Review status: criteria provided, conflicting classifications (1 of 4 stars). 2 submissions from 2 submitters: Uncertain significance (1); Benign (1). Last evaluated 2025-03-04.

Conditions:
Cardiovascular phenotype. Identifiers: MedGen CN230736.
Alstrom syndrome (ALMS). Identifiers: Orphanet 64, MedGen C0268425, MONDO:0008763, OMIM 203800.

Allele frequency attached by ClinVar (database versions not stated): gnomAD exomes 0.00010; 1000 Genomes Project 0.00020; ExAC 0.00022; 1000 Genomes Project 30x 0.00031.

Submissions (2):

Ambry Genetics
Classification: Benign for Cardiovascular phenotype. Last evaluated: 2025-03-04. Review status: criteria provided, single submitter. Criteria: Ambry Variant Classification Scheme 2023. Collection method: clinical testing. Allele origin: germline.

Labcorp Genetics (formerly Invitae), Labcorp
Classification: Uncertain significance for Alstrom syndrome. Last evaluated: 2022-05-27. Review status: criteria provided, single submitter. Criteria: Invitae Variant Classification Sherloc (09022015). Collection method: clinical testing. Allele origin: germline.
Comment: This sequence change replaces serine, which is neutral and polar, with asparagine, which is neutral and polar, at codon 1352 of the ALMS1 protein (p.Ser1352Asn). The frequency data for this variant in the population databases is considered unreliable, as metrics indicate poor data quality at this position in the gnomAD database. This variant has not been reported in the literature in individuals affected with ALMS1-related conditions. Experimental studies and prediction algorithms are not available or were not evaluated, and the functional significance of this variant is currently unknown. In summary, the available evidence is currently insufficient to determine the role of this variant in disease. Therefore, it has been classified as a Variant of Uncertain Significance.

NM_001378454.1(ALMS1):c.4052G>A (p.Ser1351Asn)

Gene: ALMS1 (ALMS1 centrosome and basal body associated protein; plus strand). Cytogenetic location: 2p13.1.
Variant type: single nucleotide variant.
Coding change: c.4052G>A on transcript NM_001378454.1 (MANE Select); coding-DNA position 4052, G replaced by A.
Protein change: p.Ser1351Asn; replaces serine 1351 with asparagine.
Molecular consequence: missense variant.
Genome position (GRCh38, 1-based): chr2:73,450,579, G>A. VCF-style: chr2-73450579-G-A. GRCh37 (hg19) VCF-style: chr2-73677706-G-A.
Other names: c.4055G>A, p.Ser1352Asn (NM_015120.4); short protein forms S1352N, S1351N.
Identifiers: ClinVar variation 2048082 (VCV002048082.2), dbSNP rs570835896, ClinGen allele CA1713632.